The following is an entry in ClinVar:

NM_001330078.2(NRXN1):c.2405A>G (p.Tyr802Cys)

Gene: NRXN1 (neurexin 1; minus strand). Cytogenetic location: 2p16.3.
Variant type: single nucleotide variant.
Coding change: c.2405A>G on transcript NM_001330078.2 (MANE Select); coding-DNA position 2405, A replaced by G.
Protein change: p.Tyr802Cys; replaces tyrosine 802 with cysteine.
Molecular consequence: missense variant.
Genome position (GRCh38, 1-based): chr2:50,506,587, T>C on the plus strand (A>G on the coding strand, the complement: NRXN1 is on the minus strand). VCF-style: chr2-50506587-T-C. GRCh37 (hg19) VCF-style: chr2-50733725-T-C.
Other names: c.2525A>G (NM_001135659.2); c.2525A>G, p.Tyr842Cys (NM_001135659.3); c.2381A>G, p.Tyr794Cys (NM_001330077.2, NM_001330082.2); c.2339A>G, p.Tyr780Cys (NM_001330083.2, NM_001330084.2); c.2378A>G, p.Tyr793Cys (NM_001330085.2); c.2405A>G, p.Tyr802Cys (NM_001330086.2, NM_004801.6); c.2294A>G, p.Tyr765Cys (NM_001330087.2, NM_001330096.2); c.2324A>G, p.Tyr775Cys (NM_001330088.2); and 3 more; short protein forms Y794C, Y798C, Y802C, Y775C, Y765C, Y780C, Y785C, Y793C.
Identifiers: ClinVar variation 948952 (VCV000948952.7), dbSNP rs2092236038, ClinGen allele CA346778018.

ClinVar aggregate classification (germline): Uncertain significance. Review status: criteria provided, single submitter (1 of 4 stars). 2 submissions from 2 submitters: Uncertain significance (1). 1 of the submissions does not count toward it. Last evaluated 2025-03-12.

Conditions:
Pitt-Hopkins-like syndrome 2 (PTHSL2). Identifiers: Orphanet 221150, Orphanet 600663, MedGen C3280479, MONDO:0013690, OMIM 614325.
NRXN1-related disorder.

Submissions (2):

Labcorp Genetics (formerly Invitae), Labcorp
Classification: Uncertain significance for Pitt-Hopkins-like syndrome 2. Last evaluated: 2025-03-12. Review status: criteria provided, single submitter. Criteria: Invitae Variant Classification Sherloc (09022015). Collection method: clinical testing. Allele origin: germline.
Comment: This sequence change replaces tyrosine, which is neutral and polar, with cysteine, which is neutral and slightly polar, at codon 842 of the NRXN1 protein (p.Tyr842Cys). This variant is not present in population databases (gnomAD no frequency). This variant has not been reported in the literature in individuals affected with NRXN1-related conditions. ClinVar contains an entry for this variant (Variation ID: 948952). An algorithm developed to predict the effect of missense changes on protein structure and function (PolyPhen-2) suggests that this variant is likely to be disruptive. In summary, the available evidence is currently insufficient to determine the role of this variant in disease. Therefore, it has been classified as a Variant of Uncertain Significance.

PreventionGenetics, part of Exact Sciences
Classification: Uncertain significance for NRXN1-related condition. Last evaluated: 2024-07-22. Review status: no assertion criteria provided. Collection method: clinical testing. Allele origin: germline. Not counted in ClinVar's aggregate classification.
Comment: The NRXN1 c.2525A>G variant is predicted to result in the amino acid substitution p.Tyr842Cys. To our knowledge, this variant has not been reported in the literature or in a large population database, indicating this variant is rare. At this time, the clinical significance of this variant is uncertain due to the absence of conclusive functional and genetic evidence.